The following is an entry in ClinVar:

NM_003560.4(PLA2G6):c.1021G>A (p.Ala341Thr)

Gene: PLA2G6 (phospholipase A2 group VI; minus strand). Cytogenetic location: 22q13.1.
Variant type: single nucleotide variant.
Coding change: c.1021G>A on transcript NM_003560.4 (MANE Select); coding-DNA position 1021, G replaced by A.
Protein change: p.Ala341Thr; replaces alanine 341 with threonine.
Molecular consequence: missense variant.
Genome position (GRCh38, 1-based): chr22:38,132,887, C>T on the plus strand (G>A on the coding strand, the complement: PLA2G6 is on the minus strand). VCF-style: chr22-38132887-C-T. GRCh37 (hg19) VCF-style: chr22-38528894-C-T.
Other names: chr22-38132887-C-T; p.Ala341Thr; NM_003560.4(PLA2G6):c.1021G>A; c.1021G>A, p.Ala341Thr (NM_001004426.3, NM_001199562.3, NM_001349864.2 and 2 more transcripts); c.487G>A, p.Ala163Thr (NM_001349867.2, NM_001349869.2); c.343G>A, p.Ala115Thr (NM_001349868.2); short protein forms A115T, A163T, A341T.
Identifiers: ClinVar variation 987077 (VCV000987077.29), dbSNP rs769000561, ClinGen allele CA411530724.

ClinVar aggregate classification (germline): Conflicting classifications of pathogenicity. Review status: criteria provided, conflicting classifications (1 of 4 stars). 3 submissions from 3 submitters: Pathogenic (1); Likely pathogenic (1); Uncertain significance (1). Last evaluated 2023-01-24.

Conditions:
Infantile neuroaxonal dystrophy (NBIA2A). Also called: Infantile neuroaxonal dystrophy 1; NEURODEGENERATION WITH BRAIN IRON ACCUMULATION 2A; SEITELBERGER DISEASE. Identifiers: Orphanet 35069, MedGen C0270724, MONDO:0024457, OMIM 256600.
Neurodegeneration with brain iron accumulation 2B. Also called: aNAD; atypical Neuroaxonal Dystrophy (aNAD); NEUROAXONAL DYSTROPHY, ATYPICAL; NEURODEGENERATION WITH BRAIN IRON ACCUMULATION, PLA2G6-RELATED. Identifiers: Orphanet 35069, MedGen C1857747, MONDO:0012444, OMIM 610217.
PLA2G6-associated neurodegeneration (PLAN). Also called: phospholipase A2-associated neurodegeneration. Identifiers: Orphanet 329303, MedGen CN204472, MONDO:0017998.

Allele frequency attached by ClinVar (database versions not stated): gnomAD 0.00001; TOPMed below 0.00001.
gnomAD v4.1: 6 of 1,554,302 alleles (0.00039%); highest among the groups gnomAD compares: Non-Finnish European, 0.00052%; no homozygotes.

Submissions (3):

Broad Center for Mendelian Genomics, Broad Institute of MIT and Harvard
Classification: Uncertain significance for PLA2G6-associated neurodegeneration. Last evaluated: 2023-01-24. Review status: criteria provided, single submitter. Criteria: ACMG Guidelines, 2015. Collection method: curation. Allele origin: germline. Inheritance: Autosomal recessive inheritance.
Comment: The p.Ala341Thr variant in PLA2G6 has been reported in 3 individuals with PLA2G6-associated neurodegeneration (PMID: 18799783, 34622992, Jansen_2015, 16783378), segregated with disease in 1 affected relative from 1 family (PMID: 18799783), and has been identified in 0.003% (2/64154) of European (non-Finnish) chromosomes by the Genome Aggregation Database (gnomAD; dbSNP ID: rs769000561). Although this variant has been seen in the general population in a heterozygous state, its frequency is low enough to be consistent with a recessive carrier frequency. This variant has also been reported in ClinVar (Variation ID#: 987077) and has been interpreted as likely pathogenic or pathogenic by Institute of Medical Genetics and Applied Genomics (University Hospital T√ºbingen) and Laborat√≥rio de Neurologia Aplicada e Experimental (Faculdade de Medicina de Ribeirao Preto ‚Äì Universidade de Sao Paulo). Of the 3 affected individuals, 1 was a homozygote, which increases the likelihood that the p.Ala341Thr variant is pathogenic (ClinVar). In vitro functional studies provide some evidence that the p.Ala341Thr variant may slightly impact protein function (PMID: 20886109). However, these types of assays may not accurately represent biological function. Computational prediction tools and conservation analyses do not provide strong support for or against an impact to the protein. In summary, the clinical significance of the p.Ala341Thr variant is uncertain. ACMG/AMP Criteria applied: PM2_supporting, PS3_supporting, PM3_supporting (Richards 2015).

Laboratório de Neurologia Aplicada e Experimental, Faculdade de Medicina de Ribeirao Preto – Universidade de Sao Paulo
Classification: Pathogenic for Neurodegeneration with brain iron accumulation 2B; Infantile neuroaxonal dystrophy. Last evaluated: 2021-07-20. Review status: criteria provided, single submitter. Criteria: ACMG Guidelines, 2015. Collection method: research. Allele origin: germline. Inheritance: Autosomal recessive inheritance. Affected: yes. Observed: 1 homozygote.
Comment: The p.Ala341Thr variant in the PLA2G6 gene has been described in compound heterozygous with another variant (p.His157Arg) in 2 brothers with infantile neuroaxonal dystrophy and brain iron accumulation (INAD) (PMID: 18799783). This sequence change replaces alanine with threonine at codon 341 of the PLA2G6 protein, and this amino acid residue is highly conserved in different species. This variant is in a hotspot region and an important functional domain of the protein (ankyrin repeat regions). This variant is present in heterozygous in 2 alleles in the GnomAD database and absents in the ABraOM database. ClinVar classifies this variant as Likely Pathogenic (Variation ID: 987077), 1 star (criteria provided, one submission). In summary, the p.Ala341Thr meets our criteria to be classified as pathogenic.

Institute of Medical Genetics and Applied Genomics, University Hospital Tübingen
Classification: Likely pathogenic. Last evaluated: 2020-10-23. Review status: criteria provided, single submitter. Criteria: ACMG Guidelines, 2015. Collection method: clinical testing. Allele origin: germline. Inheritance: Unknown mechanism. Affected: yes.

Literature cited by the submitters: PubMed 18799783 (cited by Laboratório de Neurologia Aplicada e Experimental, Faculdade de Medicina de Ribeirao Preto – Universidade de Sao Paulo).